The following is an entry in ClinVar:

NM_001040108.2(MLH3):c.1388G>A (p.Ser463Asn)

Gene: MLH3 (mutL homolog 3; minus strand). Cytogenetic location: 14q24.3.
Variant type: single nucleotide variant.
Coding change: c.1388G>A on transcript NM_001040108.2 (MANE Select); coding-DNA position 1388, G replaced by A.
Protein change: p.Ser463Asn; replaces serine 463 with asparagine.
Molecular consequence: missense variant.
Genome position (GRCh38, 1-based): chr14:75,048,268, C>T on the plus strand (G>A on the coding strand, the complement: MLH3 is on the minus strand). VCF-style: chr14-75048268-C-T. GRCh37 (hg19) VCF-style: chr14-75514971-C-T.
Other names: c.1388G>A, p.Ser463Asn (NM_014381.3); short protein forms S463N.
Identifiers: ClinVar variation 1496163 (VCV001496163.9), dbSNP rs144313410, ClinGen allele CA7275884.

ClinVar aggregate classification (germline): Uncertain significance. Review status: criteria provided, multiple submitters, no conflicts (2 of 4 stars). 2 submissions from 2 submitters: Uncertain significance (2). Last evaluated 2025-03-14.

Conditions:
Colorectal cancer, hereditary nonpolyposis, type 7. Identifiers: Orphanet 144, MedGen C1858380, MONDO:0013725, OMIM 614385.

Allele frequency attached by ClinVar (database versions not stated): gnomAD exomes below 0.00001 and 0.00001; ExAC 0.00002; TOPMed 0.00002; gnomAD 0.00004; ESP Exome Variant Server 0.00015.
gnomAD v4.1: 7 of 1,613,876 alleles (0.00043%); highest among the groups gnomAD compares: African/African-American, 0.0093%; no homozygotes.

Submissions (2):

Ambry Genetics
Classification: Uncertain significance. Last evaluated: 2025-03-14. Review status: criteria provided, single submitter. Criteria: Ambry Variant Classification Scheme 2023. Collection method: clinical testing. Allele origin: germline.
Comment: The p.S463N variant (also known as c.1388G>A), located in coding exon 1 of the MLH3 gene, results from a G to A substitution at nucleotide position 1388. The serine at codon 463 is replaced by asparagine, an amino acid with highly similar properties. This amino acid position is not well conserved in available vertebrate species. In addition, this alteration is predicted to be tolerated by in silico analysis. Since supporting evidence is limited at this time, the clinical significance of this alteration remains unclear.

Labcorp Genetics (formerly Invitae), Labcorp
Classification: Uncertain significance for Colorectal cancer, hereditary nonpolyposis, type 7. Last evaluated: 2024-11-04. Review status: criteria provided, single submitter. Criteria: Invitae Variant Classification Sherloc (09022015). Collection method: clinical testing. Allele origin: germline.
Comment: This sequence change replaces serine, which is neutral and polar, with asparagine, which is neutral and polar, at codon 463 of the MLH3 protein (p.Ser463Asn). This variant is present in population databases (rs144313410, gnomAD 0.02%). This variant has not been reported in the literature in individuals affected with MLH3-related conditions. ClinVar contains an entry for this variant (Variation ID: 1496163). An algorithm developed to predict the effect of missense changes on protein structure and function outputs the following: PolyPhen-2: "Benign". The asparagine amino acid residue is found in multiple mammalian species, which suggests that this missense change does not adversely affect protein function. In summary, the available evidence is currently insufficient to determine the role of this variant in disease. Therefore, it has been classified as a Variant of Uncertain Significance.